The following is an entry in ClinVar:

ClinVar aggregate classification (germline): Uncertain significance (1 of 4 stars; one submission).

Submission:

GeneDx
Classification: Uncertain significance. Last evaluated: 2026-02-18. Review status: criteria provided, single submitter. Criteria: GeneDx Variant Classification Process June 2021. Collection method: clinical testing. Allele origin: germline.
Comment: Not observed at significant frequency in large population cohorts (gnomAD); Has not been previously published as pathogenic or benign to our knowledge; Frameshift variant predicted to result in abnormal protein length as the last 17 amino acid(s) are replaced with 4 different amino acid(s) with an unclear effect on protein function

NM_003097.6(SNRPN):c.668dup (p.Pro224fs)

Genes: SNHG14 (small nucleolar RNA host gene 14; plus strand), SNRPN (small nuclear ribonucleoprotein polypeptide N; plus strand), SNURF (SNRPN upstream open reading frame; plus strand). Cytogenetic location: 15q11.2.
Variant type: Duplication.
Coding change: c.668dup on transcript NM_003097.6 (MANE Select); coding-DNA position 668, one base duplicated (C; older notation c.668dupC).
Protein change: p.Pro224fs; shifts the reading frame from proline 224.
Molecular consequence: frameshift variant. On other transcripts: non-coding transcript variant (1), 3 prime UTR variant (1).
Genome position (GRCh38, 1-based): chr15:24,978,301, C duplicated; the last of 5 consecutive C bases (chr15:24,978,297-24,978,301); duplicating any one gives the same sequence. VCF-style (leftmost placement, unchanged base first): chr15-24978296-A-AC. GRCh37 (hg19) VCF-style: chr15-25223443-A-AC.
Other names: c.668dup, p.Pro224fs (NM_001349454.2, NM_001349455.2, NM_001349456.2 and 99 more transcripts); c.680dup, p.Pro228fs (NM_001378251.1, NM_001378252.1, NM_001378253.1 and 2 more transcripts); c.644dup, p.Pro216fs (NM_001378256.1, NM_001378257.1, NM_001400767.1); c.404dup, p.Pro136fs (NM_001400768.1); c.*856dup (NM_005678.5); short protein forms P136fs, P216fs, P224fs, P228fs.
Identifiers: ClinVar variation 3767647 (VCV003767647.2).